The following is an entry in ClinVar:

NM_000264.5(PTCH1):c.136G>A (p.Asp46Asn)

Genes: PTCH1 (patched 1; minus strand), LOC130002133 (ATAC-STARR-seq lymphoblastoid silent region 20071; plus strand). Cytogenetic location: 9q22.32.
Variant type: single nucleotide variant.
Coding change: c.136G>A on transcript NM_000264.5 (MANE Select); coding-DNA position 136, G replaced by A.
Protein change: p.Asp46Asn; replaces aspartic acid 46 with asparagine.
Molecular consequence: missense variant. On other transcripts: non-coding transcript variant (1), intron variant (3).
Genome position (GRCh38, 1-based): chr9:95,508,226, C>T on the plus strand (G>A on the coding strand, the complement: PTCH1 is on the minus strand). VCF-style: chr9-95508226-C-T. GRCh37 (hg19) VCF-style: chr9-98270508-C-T.
Other names: c.136G>A, p.Asp46Asn (NM_001354918.2); c.199-1627G>A (NM_001083603.3); c.4-1627G>A (NM_001083602.3, NM_001354919.2); short protein forms D46N.
Identifiers: ClinVar variation 3939903 (VCV003939903.1).

ClinVar aggregate classification (germline): Uncertain significance (1 of 4 stars; one submission).

Conditions:
Hereditary cancer-predisposing syndrome. Also called: Tumor predisposition; Hereditary neoplastic syndrome; Hereditary Cancer Syndrome; Neoplastic Syndromes, Hereditary. Identifiers: Orphanet 140162, MedGen C0027672, MeSH D009386, MONDO:0015356.

Submission:

Ambry Genetics
Classification: Uncertain significance for Hereditary cancer-predisposing syndrome. Last evaluated: 2025-03-15. Review status: criteria provided, single submitter. Criteria: Ambry Variant Classification Scheme 2023. Collection method: clinical testing. Allele origin: germline.
Comment: The p.D46N variant (also known as c.136G>A), located in coding exon 1 of the PTCH1 gene, results from a G to A substitution at nucleotide position 136. The aspartic acid at codon 46 is replaced by asparagine, an amino acid with highly similar properties. This amino acid position is conserved. In addition, this alteration is predicted to be tolerated by in silico analysis. Based on the available evidence, the clinical significance of this variant remains unclear.